The following is an entry in ClinVar:

NM_024675.4(PALB2):c.1948G>C (p.Glu650Gln)

Gene: PALB2 (partner and localizer of BRCA2; minus strand). Cytogenetic location: 16p12.2.
Variant type: single nucleotide variant.
Coding change: c.1948G>C on transcript NM_024675.4 (MANE Select); coding-DNA position 1948, G replaced by C.
Protein change: p.Glu650Gln; replaces glutamic acid 650 with glutamine.
Molecular consequence: missense variant.
Genome position (GRCh38, 1-based): chr16:23,630,206, C>G on the plus strand (G>C on the coding strand, the complement: PALB2 is on the minus strand). VCF-style: chr16-23630206-C-G. GRCh37 (hg19) VCF-style: chr16-23641527-C-G.
Other names: short protein forms E650Q.
Identifiers: ClinVar variation 1508650 (VCV001508650.7), dbSNP rs1597090662, ClinGen allele CA395127405.

ClinVar aggregate classification (germline): Uncertain significance (1 of 4 stars; one submission).

Conditions:
Familial cancer of breast. Also called: hereditary breast carcinoma; Hereditary breast cancer; BREAST CANCER, FAMILIAL. Identifiers: Orphanet 227535, MedGen C0346153, MONDO:0016419, OMIM 114480. Disease mechanism: loss of function.

Submission:

Labcorp Genetics (formerly Invitae), Labcorp
Classification: Uncertain significance for Familial cancer of breast. Last evaluated: 2021-07-29. Review status: criteria provided, single submitter. Criteria: Invitae Variant Classification Sherloc (09022015). Collection method: clinical testing. Allele origin: germline.
Comment: This variant has not been reported in the literature in individuals affected with PALB2-related conditions. In summary, the available evidence is currently insufficient to determine the role of this variant in disease. Therefore, it has been classified as a Variant of Uncertain Significance. Algorithms developed to predict the effect of missense changes on protein structure and function (SIFT, PolyPhen-2, Align-GVGD) all suggest that this variant is likely to be tolerated. This variant is not present in population databases (ExAC no frequency). This sequence change replaces glutamic acid with glutamine at codon 650 of the PALB2 protein (p.Glu650Gln). The glutamic acid residue is moderately conserved and there is a small physicochemical difference between glutamic acid and glutamine.